The following is an entry in ClinVar:

NM_016653.3(MAP3K20):c.2340A>G (p.Pro780=)

Genes: MAP3K20 (mitogen-activated protein kinase kinase kinase 20; plus strand), MAP3K20-AS1 (MAP3K20 antisense RNA 1; minus strand). Cytogenetic location: 2q31.1.
Variant type: single nucleotide variant.
Coding change: c.2340A>G on transcript NM_016653.3 (MANE Select); coding-DNA position 2340, A replaced by G.
Protein change: p.Pro780=; no amino-acid change (proline 780 retained).
Molecular consequence: synonymous variant.
Genome position (GRCh38, 1-based): chr2:173,266,687, A>G. VCF-style: chr2-173266687-A-G. GRCh37 (hg19) VCF-style: chr2-174131415-A-G.
Identifiers: ClinVar variation 2175065 (VCV002175065.29), dbSNP rs759816291, ClinGen allele CA60785450.

ClinVar aggregate classification (germline): Likely benign. Review status: criteria provided, multiple submitters, no conflicts (2 of 4 stars). 3 submissions from 3 submitters: Likely benign (3). Last evaluated 2025-11-15.

Allele frequency attached by ClinVar (database versions not stated): gnomAD 0.00002; TOPMed 0.00006; gnomAD exomes 0.00008.
gnomAD v4.1: 128 of 1,599,392 alleles (0.008%); highest among the groups gnomAD compares: Non-Finnish European, 0.01%; no homozygotes.

Submissions (3):

Labcorp Genetics (formerly Invitae), Labcorp
Classification: Likely benign. Last evaluated: 2025-11-15. Review status: criteria provided, single submitter. Criteria: Invitae Variant Classification Sherloc (09022015). Collection method: clinical testing. Allele origin: germline.

Blueprint Genetics
Classification: Likely benign. Last evaluated: 2024-09-14. Review status: criteria provided, single submitter. Criteria: ACMG Guidelines, 2015. Collection method: clinical testing. Allele origin: germline.

CeGaT Center for Human Genetics Tuebingen
Classification: Likely benign. Last evaluated: 2023-10-01. Review status: criteria provided, single submitter. Criteria: CeGaT Center For Human Genetics Tuebingen Variant Classification Criteria Version 2. Collection method: clinical testing. Allele origin: germline. Affected: yes. Observed: 1 variant allele.
Comment: MAP3K20: BP7